The following is an entry in ClinVar:

NM_006231.4(POLE):c.2288A>G (p.Asp763Gly)

Gene: POLE (DNA polymerase epsilon, catalytic subunit; minus strand). Cytogenetic location: 12q24.33.
Variant type: single nucleotide variant.
Coding change: c.2288A>G on transcript NM_006231.4 (MANE Select); coding-DNA position 2288, A replaced by G.
Protein change: p.Asp763Gly; replaces aspartic acid 763 with glycine.
Molecular consequence: missense variant.
Genome position (GRCh38, 1-based): chr12:132,667,534, T>C on the plus strand (A>G on the coding strand, the complement: POLE is on the minus strand). VCF-style: chr12-132667534-T-C. GRCh37 (hg19) VCF-style: chr12-133244120-T-C.
Other names: short protein forms D763G.
Identifiers: ClinVar variation 3713808 (VCV003713808.2).

ClinVar aggregate classification (germline): Uncertain significance (1 of 4 stars; one submission).

Submission:

Labcorp Genetics (formerly Invitae), Labcorp
Classification: Uncertain significance. Last evaluated: 2024-03-10. Review status: criteria provided, single submitter. Criteria: Invitae Variant Classification Sherloc (09022015). Collection method: clinical testing. Allele origin: germline.
Comment: This sequence change replaces aspartic acid, which is acidic and polar, with glycine, which is neutral and non-polar, at codon 763 of the POLE protein (p.Asp763Gly). This variant is not present in population databases (gnomAD no frequency). This variant has not been reported in the literature in individuals affected with POLE-related conditions. Advanced modeling of protein sequence and biophysical properties (such as structural, functional, and spatial information, amino acid conservation, physicochemical variation, residue mobility, and thermodynamic stability) performed at Invitae indicates that this missense variant is expected to disrupt POLE protein function with a positive predictive value of 80%. In summary, the available evidence is currently insufficient to determine the role of this variant in disease. Therefore, it has been classified as a Variant of Uncertain Significance.